The following is an entry in ClinVar:

ClinVar aggregate classification (germline): Pathogenic/Likely pathogenic. Review status: criteria provided, multiple submitters, no conflicts (2 of 4 stars). 4 submissions from 4 submitters: Pathogenic (1); Likely pathogenic (3). Last evaluated 2026-07-15.

Conditions:
Meckel-Gruber syndrome. Also called: DYSENCEPHALIA SPLANCHNOCYSTICA; Dysencephalia splachnocystica; GRUBER SYNDROME. Identifiers: Orphanet 564, MedGen C0265215, MONDO:0018921.
Joubert syndrome. Also called: Familial aplasia of the vermis; JOUBERT-BOLTSHAUSER SYNDROME. Identifiers: Orphanet 475, MedGen C5979921, MONDO:0018772.
MKS1-related disorder. Also called: MKS1-related condition; MKS1-related disorders. Identifiers: MedGen CN239382.
Meckel syndrome, type 1 (MKS1). Also called: MECKEL-GRUBER SYNDROME, TYPE 1. Identifiers: Orphanet 564, MedGen C3714506, MONDO:0009571, OMIM 249000.

Allele frequency attached by ClinVar (database versions not stated): gnomAD exomes below 0.00001; TOPMed 0.00001; gnomAD 0.00002.
gnomAD v4.1: 4 of 1,551,064 alleles (0.00026%); highest among the groups gnomAD compares: African/African-American, 0.0055%; no homozygotes.

Submissions (4):

PreventionGenetics, part of Exact Sciences
Classification: Likely pathogenic for MKS1-related condition. Last evaluated: 2026-07-15. Review status: criteria provided, single submitter. Criteria: ACMG Guidelines, 2015. Collection method: clinical testing. Allele origin: germline.
Comment: The MKS1 c.79C>T variant is predicted to result in premature protein termination (p.Arg27*). To our knowledge, this variant has not been reported in the literature or in a large population database (gnomAD), indicating this variant is rare. Nonsense variants in MKS1 are expected to be pathogenic. This variant is interpreted as likely pathogenic.

Natera, Inc.
Classification: Likely pathogenic for Meckel syndrome type 1. Last evaluated: 2025-07-29. Review status: criteria provided, single submitter. Criteria: Natera Variant Classification Schema (03/2026). Collection method: clinical testing. Allele origin: germline.
Comment: The c.79C>T variant in MKS1 is a nonsense variant predicted to introduce a stop codon at amino acid 27. This variant may result in a truncated or dysfunctional protein product. This variant is rare in the general population with a frequency below the threshold expected for the associated phenotype(s). Given the available evidence, this variant is classified as Likely Pathogenic.

Labcorp Genetics (formerly Invitae), Labcorp
Classification: Pathogenic for Joubert syndrome; Meckel-Gruber syndrome. Last evaluated: 2022-09-19. Review status: criteria provided, single submitter. Criteria: Invitae Variant Classification Sherloc (09022015). Collection method: clinical testing. Allele origin: germline.
Comment: For these reasons, this variant has been classified as Pathogenic. Algorithms developed to predict the effect of sequence changes on RNA splicing suggest that this variant may disrupt the consensus splice site. ClinVar contains an entry for this variant (Variation ID: 955851). This variant has not been reported in the literature in individuals affected with MKS1-related conditions. This variant is not present in population databases (gnomAD no frequency). This sequence change creates a premature translational stop signal (p.Arg27*) in the MKS1 gene. It is expected to result in an absent or disrupted protein product. Loss-of-function variants in MKS1 are known to be pathogenic (PMID: 19466712, 24886560, 26490104).

Blueprint Genetics
Classification: Likely pathogenic for MKS1-related disorders. Last evaluated: 2019-09-23. Review status: criteria provided, single submitter. Criteria: ACMG Guidelines, 2015. Collection method: clinical testing. Allele origin: germline. Affected: yes. Observed: 1 variant allele.

Literature cited by the submitters: PubMed 19466712 (cited by Labcorp Genetics (formerly Invitae), Labcorp); PubMed 24886560 (cited by Labcorp Genetics (formerly Invitae), Labcorp); PubMed 26490104 (cited by Labcorp Genetics (formerly Invitae), Labcorp).

NM_017777.4(MKS1):c.79C>T (p.Arg27Ter)

Genes: MKS1 (MKS transition zone complex subunit 1; minus strand), LOC130061271 (ATAC-STARR-seq lymphoblastoid active region 12461; plus strand). Cytogenetic location: 17q22.
Variant type: single nucleotide variant.
Coding change: c.79C>T on transcript NM_017777.4 (MANE Select); coding-DNA position 79, C replaced by T.
Protein change: p.Arg27Ter; replaces arginine 27 with a stop codon.
Molecular consequence: nonsense. On other transcripts: 5 prime UTR variant (1).
Genome position (GRCh38, 1-based): chr17:58,219,152, G>A on the plus strand (C>T on the coding strand, the complement: MKS1 is on the minus strand). VCF-style: chr17-58219152-G-A. GRCh37 (hg19) VCF-style: chr17-56296513-G-A.
Other names: c.-433C>T (NM_001321268.2); c.79C>T, p.Arg27Ter (NM_001321269.2, NM_001330397.2); short protein forms R27*.
Identifiers: ClinVar variation 955851 (VCV000955851.10), dbSNP rs1161451203, ClinGen allele CA400328102.
Genomic context (GRCh38, chr17:58,219,152, plus strand): 5'-GTTGGAATGATCTAAGGACACAAAAGCATGGGGCCTCGGGGCTGGGGCGGTGCGACTACC[G>A]GAGGCGCAAGTTGCGCACGGGGTCCCGGGAGCGATACACTGCCTCCCCGGTGTCAGTGCT-3'